The following is an entry in ClinVar:

ClinVar aggregate classification (germline): Uncertain significance (1 of 4 stars; one submission).

Conditions:
Hereditary cancer-predisposing syndrome. Also called: Neoplastic Syndromes, Hereditary; Tumor predisposition; Hereditary Cancer Syndrome; Hereditary neoplastic syndrome. Identifiers: Orphanet 140162, MedGen C0027672, MeSH D009386, MONDO:0015356.

Submission:

Ambry Genetics
Classification: Uncertain significance for Hereditary cancer-predisposing syndrome. Last evaluated: 2025-09-10. Review status: criteria provided, single submitter. Criteria: Ambry Variant Classification Scheme 2023. Collection method: clinical testing. Allele origin: germline.
Comment: The p.N619S variant (also known as c.1856A>G), located in coding exon 11 of the ATM gene, results from an A to G substitution at nucleotide position 1856. The asparagine at codon 619 is replaced by serine, an amino acid with highly similar properties. This amino acid position is well conserved in available vertebrate species. In addition, this alteration is predicted to be tolerated by in silico analysis. Since supporting evidence is limited at this time, the clinical significance of this alteration remains unclear.

NM_000051.4(ATM):c.1856A>G (p.Asn619Ser)

Gene: ATM (ATM serine/threonine kinase; plus strand). Cytogenetic location: 11q22.3.
Variant type: single nucleotide variant.
Coding change: c.1856A>G on transcript NM_000051.4 (MANE Select); coding-DNA position 1856, A replaced by G.
Protein change: p.Asn619Ser; replaces asparagine 619 with serine.
Molecular consequence: missense variant.
Genome position (GRCh38, 1-based): chr11:108,252,870, A>G. VCF-style: chr11-108252870-A-G. GRCh37 (hg19) VCF-style: chr11-108123597-A-G.
Other names: c.1856A>G, p.Asn619Ser (NM_001351834.2); short protein forms N619S.
Identifiers: ClinVar variation 820164 (VCV000820164.6), dbSNP rs1591531036, ClinGen allele CA382535898.